The following is an entry in ClinVar:

NM_001379500.1(COL18A1):c.2684-9C>T

Genes: COL18A1 (collagen type XVIII alpha 1 chain; plus strand), SLC19A1 (solute carrier family 19 member 1; minus strand). Cytogenetic location: 21q22.3.
Variant type: single nucleotide variant.
Coding change: c.2684-9C>T on transcript NM_001379500.1 (MANE Select); 9 bases into the intron before coding-DNA position 2684, C replaced by T.
Molecular consequence: intron variant.
Genome position (GRCh38, 1-based): chr21:45,504,002, C>T. VCF-style: chr21-45504002-C-T. GRCh37 (hg19) VCF-style: chr21-46923916-C-T.
Other names: NM_130445.2:c.2684-9C>T; c.3929-9C>T (NM_130444.3); c.3224-9C>T (NM_030582.4, NM_030582.3).
Identifiers: ClinVar variation 447119 (VCV000447119.13), dbSNP rs1002126692, ClinGen allele CA321921133.
Genomic context (GRCh38, chr21:45,504,002, plus strand): 5'-GGGCTGCAGAGGGAACCCGGCGCTGTCAGACACCACCTCAGCGAGACCCCGCCTGTCTCT[C>T]TCTTGCAGGGCAGTTTCCGTTTGACTTTCTTCAGTTGGAGGCTGAAATGAAGGTGGGTGA-3'

ClinVar aggregate classification (germline): Conflicting classifications of pathogenicity. Review status: criteria provided, conflicting classifications (1 of 4 stars). 4 submissions from 4 submitters: Uncertain significance (1); Likely benign (2). 1 of the submissions does not count toward it. Last evaluated 2026-02-01.

Conditions:
COL18A1-related disorder. Also called: COL18A1-related condition; COL18A1-related disorders.

Allele frequency attached by ClinVar (database versions not stated): gnomAD exomes 0.00001; gnomAD 0.00003; TOPMed 0.00004.
gnomAD v4.1: 34 of 1,613,368 alleles (0.0021%); highest among the groups gnomAD compares: Admixed American, 0.04%; no homozygotes.

Submissions (4):

Labcorp Genetics (formerly Invitae), Labcorp
Classification: Likely benign. Last evaluated: 2026-02-01. Review status: criteria provided, single submitter. Criteria: Invitae Variant Classification Sherloc (09022015). Collection method: clinical testing. Allele origin: germline.

Blueprint Genetics
Classification: Likely benign. Last evaluated: 2019-12-13. Review status: criteria provided, single submitter. Criteria: ACMG Guidelines, 2015. Collection method: clinical testing. Allele origin: germline.

Athena Diagnostics
Classification: Uncertain significance. Last evaluated: 2017-04-17. Review status: criteria provided, single submitter. Criteria: Athena Diagnostics Criteria. Collection method: clinical testing. Allele origin: germline.

PreventionGenetics, part of Exact Sciences
Classification: Likely benign for COL18A1-related condition. Last evaluated: 2019-07-22. Review status: no assertion criteria provided. Collection method: clinical testing. Allele origin: germline. Not counted in ClinVar's aggregate classification.
Comment: This variant is classified as likely benign based on ACMG/AMP sequence variant interpretation guidelines (Richards et al. 2015 PMID: 25741868, with internal and published modifications).